The following is an entry in ClinVar:

NM_000981.4(RPL19):c.329G>A (p.Arg110His)

Gene: RPL19 (ribosomal protein L19; plus strand). Cytogenetic location: 17q12.
Variant type: single nucleotide variant.
Coding change: c.329G>A on transcript NM_000981.4 (MANE Select); coding-DNA position 329, G replaced by A.
Protein change: p.Arg110His; replaces arginine 110 with histidine.
Molecular consequence: missense variant.
Genome position (GRCh38, 1-based): chr17:39,203,082, G>A. VCF-style: chr17-39203082-G-A. GRCh37 (hg19) VCF-style: chr17-37359335-G-A.
Other names: c.323G>A, p.Arg108His (NM_001330200.1); short protein forms R108H, R110H.
Identifiers: ClinVar variation 2904991 (VCV002904991.3), dbSNP rs761904530, ClinGen allele CA8528901.

ClinVar aggregate classification (germline): Uncertain significance (1 of 4 stars; one submission).

Allele frequency attached by ClinVar (database versions not stated): ExAC 0.00001.
gnomAD v4.1: 2 of 1,613,074 alleles (0.00012%); highest among the groups gnomAD compares: South Asian, 0.0011%; no homozygotes.

Submission:

Labcorp Genetics (formerly Invitae), Labcorp
Classification: Uncertain significance. Last evaluated: 2023-03-02. Review status: criteria provided, single submitter. Criteria: Invitae Variant Classification Sherloc (09022015). Collection method: clinical testing. Allele origin: germline.
Comment: This variant is present in population databases (rs761904530, gnomAD 0.003%). This sequence change replaces arginine, which is basic and polar, with histidine, which is basic and polar, at codon 110 of the RPL19 protein (p.Arg110His). This variant has not been reported in the literature in individuals affected with RPL19-related conditions. In summary, the available evidence is currently insufficient to determine the role of this variant in disease. Therefore, it has been classified as a Variant of Uncertain Significance. An algorithm developed to predict the effect of missense changes on protein structure and function (PolyPhen-2) suggests that this variant is likely to be tolerated.